The following is an entry in ClinVar:

ClinVar aggregate classification (germline): Uncertain significance (1 of 4 stars; one submission).

gnomAD v4.1: 1 of 1,613,776 alleles (0.000062%); highest among the groups gnomAD compares: Non-Finnish European, 0.000085%; no homozygotes.

Submission:

Labcorp Genetics (formerly Invitae), Labcorp
Classification: Uncertain significance. Last evaluated: 2024-11-04. Review status: criteria provided, single submitter. Criteria: Invitae Variant Classification Sherloc (09022015). Collection method: clinical testing. Allele origin: germline.
Comment: This sequence change falls in intron 1 of the CTR9 gene. It does not directly change the encoded amino acid sequence of the CTR9 protein. It affects a nucleotide within the consensus splice site. This variant is not present in population databases (gnomAD no frequency). This variant has not been reported in the literature in individuals affected with CTR9-related conditions. ClinVar contains an entry for this variant (Variation ID: 1517502). Variants that disrupt the consensus splice site are a relatively common cause of aberrant splicing (PMID: 17576681, 9536098). Algorithms developed to predict the effect of sequence changes on RNA splicing suggest that this variant is not likely to affect RNA splicing. In summary, the available evidence is currently insufficient to determine the role of this variant in disease. Therefore, it has been classified as a Variant of Uncertain Significance.

Literature cited by the submitters: PubMed 17576681; PubMed 9536098.

NM_014633.5(CTR9):c.45+6T>G

Gene: CTR9 (CTR9 component of Paf1/RNA polymerase II complex; plus strand). Cytogenetic location: 11p15.4.
Variant type: single nucleotide variant.
Coding change: c.45+6T>G on transcript NM_014633.5 (MANE Select); 6 bases into the intron after coding-DNA position 45, T replaced by G.
Molecular consequence: intron variant.
Genome position (GRCh38, 1-based): chr11:10,751,463, T>G. VCF-style: chr11-10751463-T-G. GRCh37 (hg19) VCF-style: chr11-10773010-T-G.
Other names: c.45+6T>G (NM_001346279.2).
Identifiers: ClinVar variation 1517502 (VCV001517502.6), dbSNP rs779754878, ClinGen allele CA2573146028.